The following is an entry in ClinVar:

NM_006031.6(PCNT):c.177G>A (p.Glu59=)

Gene: PCNT (pericentrin; plus strand). Cytogenetic location: 21q22.3.
Variant type: single nucleotide variant.
Coding change: c.177G>A on transcript NM_006031.6 (MANE Select); coding-DNA position 177, G replaced by A.
Protein change: p.Glu59=; no amino-acid change (glutamic acid 59 retained).
Molecular consequence: synonymous variant. On other transcripts: 5 prime UTR variant (1).
Genome position (GRCh38, 1-based): chr21:46,326,499, G>A. VCF-style: chr21-46326499-G-A. GRCh37 (hg19) VCF-style: chr21-47746413-G-A.
Other names: c.177G>A (NM_006031.5); c.-178G>A (NM_001315529.2).
Identifiers: ClinVar variation 2955612 (VCV002955612.5), dbSNP rs201808621, ClinGen allele CA10078163.
Genomic context (GRCh38, chr21:46,326,499, plus strand): 5'-GAAGAGGAAGGGCTCGGCTGTCGATGCGTCTGTCCAGGAGGAGAGTCCGGTAACCAAGGA[G>A]GACAGCGCACTCTGTGGAGGAGGGGACATTTGCAAAAGCACATCATGTGACGACACCCCT-3'
Protein context (NP_006022.3, residues 49-69): SVQEESPVTK[Glu59=]DSALCGGGDI

ClinVar aggregate classification (germline): Likely benign. Review status: criteria provided, single submitter (1 of 4 stars). 2 submissions from 2 submitters: Likely benign (1). 1 of the submissions does not count toward it. Last evaluated 2025-05-05.

Conditions:
PCNT-related disorder. Also called: PCNT-related condition.

Allele frequency attached by ClinVar (database versions not stated): TOPMed 0.00004; gnomAD exomes 0.00007; ESP Exome Variant Server 0.00008; ExAC 0.00003; gnomAD 0.00004.
gnomAD v4.1: 108 of 1,614,104 alleles (0.0067%); highest among the groups gnomAD compares: Non-Finnish European, 0.0088%; no homozygotes.

Submissions (2):

Labcorp Genetics (formerly Invitae), Labcorp
Classification: Likely benign. Last evaluated: 2025-05-05. Review status: criteria provided, single submitter. Criteria: Invitae Variant Classification Sherloc (09022015). Collection method: clinical testing. Allele origin: germline.

PreventionGenetics, part of Exact Sciences
Classification: Likely benign for PCNT-related condition. Last evaluated: 2023-02-06. Review status: no assertion criteria provided. Collection method: clinical testing. Allele origin: germline. Not counted in ClinVar's aggregate classification.
Comment: This variant is classified as likely benign based on ACMG/AMP sequence variant interpretation guidelines (Richards et al. 2015 PMID: 25741868, with internal and published modifications).